The following is an entry in ClinVar:

NM_000091.5(COL4A3):c.4353C>A (p.His1451Gln)

Genes: COL4A3 (collagen type IV alpha 3 chain; plus strand), MFF-DT (MFF divergent transcript; minus strand). Cytogenetic location: 2q36.3.
Variant type: single nucleotide variant.
Coding change: c.4353C>A on transcript NM_000091.5 (MANE Select); coding-DNA position 4353, C replaced by A.
Protein change: p.His1451Gln; replaces histidine 1451 with glutamine.
Molecular consequence: missense variant.
Genome position (GRCh38, 1-based): chr2:227,307,810, C>A. VCF-style: chr2-227307810-C-A. GRCh37 (hg19) VCF-style: chr2-228172526-C-A.
Other names: short protein forms H1451Q.
Identifiers: ClinVar variation 1484796 (VCV001484796.8), dbSNP rs886551469, ClinGen allele CA350864307.
Genomic context (GRCh38, chr2:227,307,810, plus strand): 5'-ACGTGGAGACAGTGGATCACCTGCAACCTGGACAACGAGAGGCTTTGTCTTCACCCGACA[C>A]AGTCAAACCACAGCAATTCCTTCATGTCCAGAGGGGACAGTGCCACTCTACAGTGGGTTT-3'
Protein context (NP_000082.2, residues 1441-1461): WTTRGFVFTR[His1451Gln]SQTTAIPSCP

ClinVar aggregate classification (germline): Likely pathogenic (1 of 4 stars; one submission).

Submission:

Labcorp Genetics (formerly Invitae), Labcorp
Classification: Likely pathogenic. Last evaluated: 2021-06-24. Review status: criteria provided, single submitter. Criteria: Invitae Variant Classification Sherloc (09022015). Collection method: clinical testing. Allele origin: germline.
Comment: In summary, the currently available evidence indicates that the variant is pathogenic, but additional data are needed to prove that conclusively. Therefore, this variant has been classified as Likely Pathogenic. This variant disrupts the p.His1451 amino acid residue in COL4A3. Other variant(s) that disrupt this residue have been determined to be pathogenic (Invitae). This suggests that this residue is clinically significant, and that variants that disrupt this residue are likely to be disease-causing. Advanced modeling of protein sequence and biophysical properties (such as structural, functional, and spatial information, amino acid conservation, physicochemical variation, residue mobility, and thermodynamic stability) performed at Invitae indicates that this missense variant is expected to disrupt COL4A3 protein function. This variant has not been reported in the literature in individuals affected with COL4A3-related conditions. This variant is not present in population databases (ExAC no frequency). This sequence change replaces histidine with glutamine at codon 1451 of the COL4A3 protein (p.His1451Gln). The histidine residue is highly conserved and there is a small physicochemical difference between histidine and glutamine.